The following is an entry in ClinVar:

NM_153460.4(IL17RC):c.2075T>G (p.Leu692Arg)

Genes: IL17RC (interleukin 17 receptor C; plus strand), LOC129936144 (ATAC-STARR-seq lymphoblastoid silent region 14051; plus strand). Cytogenetic location: 3p25.3.
Variant type: single nucleotide variant.
Coding change: c.2075T>G on transcript NM_153460.4 (MANE Select); coding-DNA position 2075, T replaced by G.
Protein change: p.Leu692Arg; replaces leucine 692 with arginine.
Molecular consequence: missense variant. On other transcripts: non-coding transcript variant (1).
Genome position (GRCh38, 1-based): chr3:9,933,505, T>G. VCF-style: chr3-9933505-T-G. GRCh37 (hg19) VCF-style: chr3-9975189-T-G.
Other names: c.2036T>G, p.Leu679Arg (NM_001203263.2); c.1985T>G, p.Leu662Arg (NM_001203264.2); c.1979T>G, p.Leu660Arg (NM_001203265.2); c.1997T>G, p.Leu666Arg (NM_001367278.1); c.1916T>G, p.Leu639Arg (NM_001367279.1); c.1991T>G, p.Leu664Arg (NM_001367280.1); c.1940T>G, p.Leu647Arg (NM_001410711.1); c.2030T>G, p.Leu677Arg (NM_032732.6); and 1 more; short protein forms L677R, L679R, L639R, L647R, L660R, L662R, L664R, L666R.
Identifiers: ClinVar variation 3649205 (VCV003649205.2).

ClinVar aggregate classification (germline): Uncertain significance (1 of 4 stars; one submission).

Conditions:
Candidiasis, familial, 9 (CANDF9). Identifiers: Orphanet 1334, MedGen C4225324, MONDO:0014642, OMIM 616445.

Submission:

Labcorp Genetics (formerly Invitae), Labcorp
Classification: Uncertain significance for Candidiasis, familial, 9. Last evaluated: 2025-01-14. Review status: criteria provided, single submitter. Criteria: Invitae Variant Classification Sherloc (09022015). Collection method: clinical testing. Allele origin: germline.
Comment: This sequence change replaces leucine, which is neutral and non-polar, with arginine, which is basic and polar, at codon 763 of the IL17RC protein (p.Leu763Arg). This variant is not present in population databases (gnomAD no frequency). This variant has not been reported in the literature in individuals affected with IL17RC-related conditions. An algorithm developed to predict the effect of missense changes on protein structure and function (PolyPhen-2) suggests that this variant is likely to be disruptive. In summary, the available evidence is currently insufficient to determine the role of this variant in disease. Therefore, it has been classified as a Variant of Uncertain Significance.